The following is an entry in ClinVar:

NM_000701.8(ATP1A1):c.2989_2991del (p.Leu997del)

Genes: ATP1A1 (ATPase Na+/K+ transporting subunit alpha 1; plus strand), ATP1A1-AS1 (ATP1A1 antisense RNA 1; minus strand). Cytogenetic location: 1p13.1.
Variant type: Deletion.
Coding change: c.2989_2991del on transcript NM_000701.8 (MANE Select); coding-DNA positions 2989 to 2991, 3 bases deleted (CTC; older notation c.2989_2991delCTC).
Protein change: p.Leu997del; deletes leucine 997.
Molecular consequence: inframe deletion.
Genome position (GRCh38, 1-based): chr1:116,403,921-116,403,923, CTC deleted. VCF-style (leftmost placement, unchanged base first): chr1-116403920-TCTC-T. GRCh37 (hg19) VCF-style: chr1-116946542-TCTC-T.
Other names: c.2989_2991del, p.Leu997del (NM_001160233.2); c.2896_2898del, p.Leu966del (NM_001160234.2); short protein forms L966del, L997del.
Identifiers: ClinVar variation 2986711 (VCV002986711.3), dbSNP rs2525907613, ClinGen allele CA2740090343.
Genomic context (GRCh38, chr1:116,403,920, plus strand): 5'-ATTGGTACCTTACTCTATTTCCAGACCTACCTGGTGGTTCTGTGCCTTCCCCTACTCTCT[TCTC>T]ATCTTCGTATATGACGAAGTCAGAAAACTCATCATCAGGCGACGCCCTGGCGGTAATTAT-3'

ClinVar aggregate classification (germline): Uncertain significance (1 of 4 stars; one submission).

Submission:

Labcorp Genetics (formerly Invitae), Labcorp
Classification: Uncertain significance. Last evaluated: 2023-12-02. Review status: criteria provided, single submitter. Criteria: Invitae Variant Classification Sherloc (09022015). Collection method: clinical testing. Allele origin: germline.
Comment: This variant, c.2989_2991del, results in the deletion of 1 amino acid(s) of the ATP1A1 protein (p.Leu997del), but otherwise preserves the integrity of the reading frame. This variant is not present in population databases (gnomAD no frequency). This variant has not been reported in the literature in individuals affected with ATP1A1-related conditions. Experimental studies and prediction algorithms are not available or were not evaluated, and the functional significance of this variant is currently unknown. In summary, the available evidence is currently insufficient to determine the role of this variant in disease. Therefore, it has been classified as a Variant of Uncertain Significance.